The following is an entry in ClinVar:

NM_000334.4(SCN4A):c.238dup (p.Leu80fs)

Gene: SCN4A (sodium voltage-gated channel alpha subunit 4; minus strand). Cytogenetic location: 17q23.3.
Variant type: Duplication.
Coding change: c.238dup on transcript NM_000334.4 (MANE Select); coding-DNA position 238, one base duplicated (C; older notation c.238dupC).
Protein change: p.Leu80fs; shifts the reading frame from leucine 80.
Molecular consequence: frameshift variant.
Genome position (GRCh38, 1-based): chr17:63,972,604, G duplicated on the plus strand (C on the coding strand, the reverse complement: SCN4A is on the minus strand); the first of 5 consecutive G bases (chr17:63,972,604-63,972,608); duplicating any one gives the same sequence. VCF-style (leftmost placement, unchanged base first): chr17-63972603-A-AG. GRCh37 (hg19) VCF-style: chr17-62049963-A-AG.
Other names: short protein forms L80fs.
Identifiers: ClinVar variation 4852646 (VCV004852646.2).

ClinVar aggregate classification (germline): Likely pathogenic (1 of 4 stars; one submission).

Submission:

Dasa
Classification: Likely pathogenic. Last evaluated: 2024-08-19. Review status: criteria provided, single submitter. Criteria: DASA Assertion Criteria. Collection method: clinical testing. Allele origin: germline.
Comment: NM_000334.4(SCN4A):c.238dup (p.Leu80Profs*11) is a frameshift variant in SCN4A predicted to alter the reading frame and introduce a premature termination codon and is predicted to result in an absent or altered protein product. Loss of function is an established disease mechanism for SCN4A-associated disorders. Also, this variant is absent from population databases. Based on the currently available evidence, this variant is classified as likely pathogenic.